The following is an entry in ClinVar:

ClinVar aggregate classification (germline): Pathogenic (1 of 4 stars; one submission).

Allele frequency attached by ClinVar (database versions not stated): gnomAD exomes below 0.00001; ExAC 0.00001.
gnomAD v4.1: 6 of 1,586,704 alleles (0.00038%); highest among the groups gnomAD compares: East Asian, 0.0022%; no homozygotes.

Submission:

Labcorp Genetics (formerly Invitae), Labcorp
Classification: Pathogenic. Last evaluated: 2023-06-30. Review status: criteria provided, single submitter. Criteria: Invitae Variant Classification Sherloc (09022015). Collection method: clinical testing. Allele origin: germline.
Comment: This variant has not been reported in the literature in individuals affected with PCARE-related conditions. This sequence change creates a premature translational stop signal (p.Arg1047*) in the PCARE gene. It is expected to result in an absent or disrupted protein product. Loss-of-function variants in PCARE are known to be pathogenic (PMID: 20398886, 24339724, 26496393). This variant is present in population databases (rs767286082, gnomAD 0.001%). ClinVar contains an entry for this variant (Variation ID: 1408996). For these reasons, this variant has been classified as Pathogenic.

Literature cited by the submitters: PubMed 20398886; PubMed 24339724; PubMed 26496393.

NM_001029883.3(PCARE):c.3139C>T (p.Arg1047Ter)

Gene: PCARE (photoreceptor cilium actin regulator; minus strand). Cytogenetic location: 2p23.2.
Variant type: single nucleotide variant.
Coding change: c.3139C>T on transcript NM_001029883.3 (MANE Select); coding-DNA position 3139, C replaced by T.
Protein change: p.Arg1047Ter; replaces arginine 1047 with a stop codon.
Molecular consequence: nonsense.
Genome position (GRCh38, 1-based): chr2:29,071,123, G>A on the plus strand (C>T on the coding strand, the complement: PCARE is on the minus strand). VCF-style: chr2-29071123-G-A. GRCh37 (hg19) VCF-style: chr2-29293989-G-A.
Other names: short protein forms R1047*.
Identifiers: ClinVar variation 1408996 (VCV001408996.7), dbSNP rs767286082, ClinGen allele CA1592011.